The following is an entry in ClinVar:

NM_033109.5(PNPT1):c.1180del (p.Leu394fs)

Gene: PNPT1 (polyribonucleotide nucleotidyltransferase 1; minus strand). Cytogenetic location: 2p16.1.
Variant type: Deletion.
Coding change: c.1180del on transcript NM_033109.5 (MANE Select); coding-DNA position 1180, one base deleted (C; older notation c.1180delC).
Protein change: p.Leu394fs; shifts the reading frame from leucine 394.
Molecular consequence: frameshift variant.
Genome position (GRCh38, 1-based): chr2:55,662,023, G deleted on the plus strand (C on the coding strand, the reverse complement: PNPT1 is on the minus strand). VCF-style (leftmost placement, unchanged base first): chr2-55662022-AG-A. GRCh37 (hg19) VCF-style: chr2-55889157-AG-A.
Other names: short protein forms L394fs.
Identifiers: ClinVar variation 2805003 (VCV002805003.3), dbSNP rs2529542925, ClinGen allele CA2659132624.

ClinVar aggregate classification (germline): Pathogenic (1 of 4 stars; one submission).

Allele frequency attached by ClinVar (database versions not stated): gnomAD exomes below 0.00001.

Submission:

Labcorp Genetics (formerly Invitae), Labcorp
Classification: Pathogenic. Last evaluated: 2023-11-13. Review status: criteria provided, single submitter. Criteria: Invitae Variant Classification Sherloc (09022015). Collection method: clinical testing. Allele origin: germline.
Comment: This sequence change creates a premature translational stop signal (p.Leu394Phefs*9) in the PNPT1 gene. It is expected to result in an absent or disrupted protein product. Loss-of-function variants in PNPT1 are known to be pathogenic (PMID: 28594066, 30244537). This variant is not present in population databases (gnomAD no frequency). This variant has not been reported in the literature in individuals affected with PNPT1-related conditions. For these reasons, this variant has been classified as Pathogenic.

Literature cited by the submitters: PubMed 28594066; PubMed 30244537.